The following is an entry in ClinVar:

NM_006859.4(LIAS):c.308A>G (p.His103Arg)

Gene: LIAS (lipoic acid synthetase; plus strand). Cytogenetic location: 4p14.
Variant type: single nucleotide variant.
Coding change: c.308A>G on transcript NM_006859.4 (MANE Select); coding-DNA position 308, A replaced by G.
Protein change: p.His103Arg; replaces histidine 103 with arginine.
Molecular consequence: missense variant. On other transcripts: intron variant (2).
Genome position (GRCh38, 1-based): chr4:39,462,285, A>G. VCF-style: chr4-39462285-A-G. GRCh37 (hg19) VCF-style: chr4-39463905-A-G.
Other names: c.308A>G, p.His103Arg (NM_001278590.2, NM_001278591.2, NM_194451.3); c.219-1240A>G (NM_001363700.2, NM_001278592.2); short protein forms H103R.
Identifiers: ClinVar variation 4744597 (VCV004744597.1).
Genomic context (GRCh38, chr4:39,462,285, plus strand): 5'-AGATTCCCATGGGGAAAAATTACAATAAACTGAAAAATACTTTGCGGAATTTAAATCTCC[A>G]TACAGTAAGTTGTCAAAGTGTAAACTATCCCTCTTCACCAAAAGCCATGTTTCTACGTTT-3'
Protein context (NP_006850.2, residues 93-113): LKNTLRNLNL[His103Arg]TVCEEARCPN

ClinVar aggregate classification (germline): Uncertain significance (1 of 4 stars; one submission).

Conditions:
Lipoic acid synthetase deficiency. Also called: HYPERGLYCINEMIA, LACTIC ACIDOSIS, AND SEIZURES. Identifiers: Orphanet 401859, MedGen C3280887, MONDO:0013762, OMIM 614462.

gnomAD v4.1: 1 of 1,510,810 alleles (0.000066%); highest among the groups gnomAD compares: Non-Finnish European, 0.00009%; no homozygotes.

Submission:

Labcorp Genetics (formerly Invitae), Labcorp
Classification: Uncertain significance for Lipoic acid synthetase deficiency. Last evaluated: 2025-10-11. Review status: criteria provided, single submitter. Criteria: Invitae Variant Classification Sherloc (09022015). Collection method: clinical testing. Allele origin: germline.
Comment: This sequence change replaces histidine, which is basic and polar, with arginine, which is basic and polar, at codon 103 of the LIAS protein (p.His103Arg). This variant is not present in population databases (gnomAD no frequency). This variant has not been reported in the literature in individuals affected with LIAS-related conditions. Invitae Evidence Modeling of protein sequence and biophysical properties (such as structural, functional, and spatial information, amino acid conservation, physicochemical variation, residue mobility, and thermodynamic stability) indicates that this missense variant is not expected to disrupt LIAS protein function with a negative predictive value of 80%. In summary, the available evidence is currently insufficient to determine the role of this variant in disease. Therefore, it has been classified as a Variant of Uncertain Significance.